The following is an entry in ClinVar:

ClinVar aggregate classification (germline): Likely benign. Review status: criteria provided, multiple submitters, no conflicts (2 of 4 stars). 3 submissions from 3 submitters: Likely benign (2). 1 of the submissions does not count toward it. Last evaluated 2024-10-04.

Conditions:
HMX1-related disorder. Also called: HMX1-related condition.

Allele frequency attached by ClinVar (database versions not stated): 1000 Genomes Project 30x 0.00016; gnomAD exomes 0.00017; 1000 Genomes Project 0.00020.
gnomAD v4.1: 126 of 1,496,336 alleles (0.0084%); highest among the groups gnomAD compares: South Asian, 0.11%; no homozygotes.

Submissions (3):

Blueprint Genetics
Classification: Likely benign. Last evaluated: 2024-10-04. Review status: criteria provided, single submitter. Criteria: ACMG Guidelines, 2015. Collection method: clinical testing. Allele origin: germline.

Labcorp Genetics (formerly Invitae), Labcorp
Classification: Likely benign. Last evaluated: 2024-04-22. Review status: criteria provided, single submitter. Criteria: Invitae Variant Classification Sherloc (09022015). Collection method: clinical testing. Allele origin: germline.

PreventionGenetics, part of Exact Sciences
Classification: Likely benign for HMX1-related condition. Last evaluated: 2019-06-10. Review status: no assertion criteria provided. Collection method: clinical testing. Allele origin: germline. Not counted in ClinVar's aggregate classification.
Comment: This variant is classified as likely benign based on ACMG/AMP sequence variant interpretation guidelines (Richards et al. 2015 PMID: 25741868, with internal and published modifications).

NM_018942.3(HMX1):c.561G>C (p.Ala187=)

Gene: HMX1 (H6 family homeobox 1; minus strand). Cytogenetic location: 4p16.1.
Variant type: single nucleotide variant.
Coding change: c.561G>C on transcript NM_018942.3 (MANE Select); coding-DNA position 561, G replaced by C.
Protein change: p.Ala187=; no amino-acid change (alanine 187 retained).
Molecular consequence: synonymous variant. On other transcripts: intron variant (1).
Genome position (GRCh38, 1-based): chr4:8,868,179, C>G on the plus strand (G>C on the coding strand, the complement: HMX1 is on the minus strand). VCF-style: chr4-8868179-C-G. GRCh37 (hg19) VCF-style: chr4-8869905-C-G.
Other names: c.394+3042G>C (NM_001306142.2); c.561G>C (NM_018942.2).
Identifiers: ClinVar variation 1144751 (VCV001144751.12), dbSNP rs575165175, ClinGen allele CA2854298.